The following is an entry in ClinVar:

ClinVar aggregate classification (germline): Uncertain significance (1 of 4 stars; one submission).

Submission:

GeneDx
Classification: Uncertain significance. Last evaluated: 2016-05-23. Review status: criteria provided, single submitter. Criteria: GeneDx Variant Classification (06012015). Collection method: clinical testing. Allele origin: germline. Affected: yes.
Comment: This variant is denoted NBN c.241G>A at the cDNA level, p.Glu81Lys (E81K) at the protein level, and results in the change of a Glutamic Acid to a Lysine (GAA>AAA). This variant has not, to our knowledge, been published in the literature as pathogenic or benign. NBN Glu81Lys was not observed in approximately 6,500 individuals of European and African American ancestry in the NHLBI Exome Sequencing Project, suggesting it is not a common benign variant in these populations. Since Glutamic Acid and Lysine differ in polarity, charge, size or other properties, this is considered a non-conservative amino acid substitution. NBN Glu81Lys occurs at a position that is conserved in mammals and is located in the FHA domain (UniProt). In silico analyses predict that this variant is probably damaging to protein structure and function. Based on currently available evidence, it is unclear whether NBN Glu81Lys is a pathogenic or benign variant. We consider it to be a variant of uncertain significance.

NM_002485.5(NBN):c.241G>A (p.Glu81Lys)

Gene: NBN (nibrin; minus strand). Cytogenetic location: 8q21.3.
Variant type: single nucleotide variant.
Coding change: c.241G>A on transcript NM_002485.5 (MANE Select); coding-DNA position 241, G replaced by A.
Protein change: p.Glu81Lys; replaces glutamic acid 81 with lysine.
Molecular consequence: missense variant. On other transcripts: 5 prime UTR variant (1).
Genome position (GRCh38, 1-based): chr8:89,981,454, C>T on the plus strand (G>A on the coding strand, the complement: NBN is on the minus strand). VCF-style: chr8-89981454-C-T. GRCh37 (hg19) VCF-style: chr8-90993682-C-T.
Other names: c.-6G>A (NM_001024688.3); short protein forms E81K.
Identifiers: ClinVar variation 421292 (VCV000421292.2), dbSNP rs1064795037, ClinGen allele CA16618712.